The following is an entry in ClinVar:

ClinVar aggregate classification (germline): Uncertain significance (1 of 4 stars; one submission).

Conditions:
Aicardi-Goutieres syndrome 3. Identifiers: Orphanet 51, MedGen C1835916, MONDO:0012471, OMIM 610329.

Allele frequency attached by ClinVar (database versions not stated): gnomAD exomes below 0.00001; gnomAD 0.00001; TOPMed 0.00001.

Submission:

Labcorp Genetics (formerly Invitae), Labcorp
Classification: Uncertain significance for Aicardi-Goutieres syndrome 3. Last evaluated: 2021-07-01. Review status: criteria provided, single submitter. Criteria: Invitae Variant Classification Sherloc (09022015). Collection method: clinical testing. Allele origin: germline.
Comment: This variant has not been reported in the literature in individuals affected with RNASEH2C-related conditions. This sequence change replaces alanine with valine at codon 74 of the RNASEH2C protein (p.Ala74Val). The alanine residue is weakly conserved and there is a small physicochemical difference between alanine and valine. This variant is not present in population databases (ExAC no frequency). Algorithms developed to predict the effect of missense changes on protein structure and function output the following: SIFT: "Tolerated"; PolyPhen-2: "Benign"; Align-GVGD: "Class C0". The valine amino acid residue is found in multiple mammalian species, which suggests that this missense change does not adversely affect protein function. In summary, the available evidence is currently insufficient to determine the role of this variant in disease. Therefore, it has been classified as a Variant of Uncertain Significance.

NM_032193.4(RNASEH2C):c.221C>T (p.Ala74Val)

Gene: RNASEH2C (ribonuclease H2 subunit C; minus strand). Cytogenetic location: 11q13.1.
Variant type: single nucleotide variant.
Coding change: c.221C>T on transcript NM_032193.4 (MANE Select); coding-DNA position 221, C replaced by T.
Protein change: p.Ala74Val; replaces alanine 74 with valine.
Molecular consequence: missense variant.
Genome position (GRCh38, 1-based): chr11:65,720,369, G>A on the plus strand (C>T on the coding strand, the complement: RNASEH2C is on the minus strand). VCF-style: chr11-65720369-G-A. GRCh37 (hg19) VCF-style: chr11-65487840-G-A.
Other names: short protein forms A74V.
Identifiers: ClinVar variation 1472536 (VCV001472536.8), dbSNP rs1284081456, ClinGen allele CA381298976.